The following is an entry in ClinVar:

NM_000444.6(PHEX):c.1347G>A (p.Met449Ile)

Gene: PHEX (phosphate regulating endopeptidase X-linked; plus strand). Cytogenetic location: Xp22.11.
Variant type: single nucleotide variant.
Coding change: c.1347G>A on transcript NM_000444.6 (MANE Select); coding-DNA position 1347, G replaced by A.
Protein change: p.Met449Ile; replaces methionine 449 with isoleucine.
Molecular consequence: missense variant.
Genome position (GRCh38, 1-based): chrX:22,133,567, G>A. VCF-style: chrX-22133567-G-A. GRCh37 (hg19) VCF-style: chrX-22151684-G-A.
Other names: c.1347G>A, p.Met449Ile (NM_001282754.2); short protein forms M449I.
Identifiers: ClinVar variation 1720112 (VCV001720112.5), dbSNP rs2518548167, ClinGen allele CA412574629.
Genomic context (GRCh38, chrX:22,133,567, plus strand): 5'-GGGTATTTTCTTGTAGATGGAGGAATTGGTTGAGGGCGTTCGCTGGGCCTTTATTGACAT[G>A]CTAGAGAAAGAAAATGAGTGGATGGATGCAGGAACGAAAAGGAAAGCCAAAGAAAAGGTA-3'
Protein context (NP_000435.3, residues 439-459): VEGVRWAFID[Met449Ile]LEKENEWMDA

ClinVar aggregate classification (germline): Uncertain significance (1 of 4 stars; one submission).

Submission:

Labcorp Genetics (formerly Invitae), Labcorp
Classification: Uncertain significance. Last evaluated: 2022-09-30. Review status: criteria provided, single submitter. Criteria: Invitae Variant Classification Sherloc (09022015). Collection method: clinical testing. Allele origin: germline.
Comment: In summary, the available evidence is currently insufficient to determine the role of this variant in disease. Therefore, it has been classified as a Variant of Uncertain Significance. Algorithms developed to predict the effect of missense changes on protein structure and function (SIFT, PolyPhen-2, Align-GVGD) all suggest that this variant is likely to be tolerated. This variant has not been reported in the literature in individuals affected with PHEX-related conditions. This variant is not present in population databases (gnomAD no frequency). This sequence change replaces methionine, which is neutral and non-polar, with isoleucine, which is neutral and non-polar, at codon 449 of the PHEX protein (p.Met449Ile).